The following is an entry in ClinVar:

ClinVar aggregate classification (germline): Uncertain significance (1 of 4 stars; one submission).

Conditions:
Long QT syndrome (LQTS). Identifiers: MedGen C0023976, MeSH D008133, MONDO:0002442. Disease mechanism: loss of function. Inheritance: Various modes of inheritance.

Submission:

Labcorp Genetics (formerly Invitae), Labcorp
Classification: Uncertain significance for Long QT syndrome. Last evaluated: 2025-05-01. Review status: criteria provided, single submitter. Criteria: Invitae Variant Classification Sherloc (09022015). Collection method: clinical testing. Allele origin: germline.
Comment: This sequence change replaces alanine, which is neutral and non-polar, with serine, which is neutral and polar, at codon 83 of the KCNH2 protein (p.Ala83Ser). This variant is not present in population databases (gnomAD no frequency). This variant has not been reported in the literature in individuals affected with KCNH2-related conditions. ClinVar contains an entry for this variant (Variation ID: 643651). An algorithm developed to predict the effect of missense changes on protein structure and function (PolyPhen-2) suggests that this variant is likely to be disruptive. In summary, the available evidence is currently insufficient to determine the role of this variant in disease. Therefore, it has been classified as a Variant of Uncertain Significance.

NM_000238.4(KCNH2):c.247G>T (p.Ala83Ser)

Gene: KCNH2 (potassium voltage-gated channel subfamily H member 2; minus strand). Cytogenetic location: 7q36.1.
Variant type: single nucleotide variant.
Coding change: c.247G>T on transcript NM_000238.4 (MANE Select); coding-DNA position 247, G replaced by T.
Protein change: p.Ala83Ser; replaces alanine 83 with serine.
Molecular consequence: missense variant.
Genome position (GRCh38, 1-based): chr7:150,974,771, C>A on the plus strand (G>T on the coding strand, the complement: KCNH2 is on the minus strand). VCF-style: chr7-150974771-C-A. GRCh37 (hg19) VCF-style: chr7-150671859-C-A.
Other names: c.70G>T, p.Ala24Ser (NM_001406755.1); c.247G>T, p.Ala83Ser (NM_172056.3); short protein forms A83S, A24S.
Identifiers: ClinVar variation 643651 (VCV000643651.9), dbSNP rs1554430909, ClinGen allele CA369865479.